The following is an entry in ClinVar:

ClinVar aggregate classification (germline): Pathogenic (1 of 4 stars; one submission).

Conditions:
Spastic paraplegia. Identifiers: MedGen C0037772, HP:0001258.

Submission:

Labcorp Genetics (formerly Invitae), Labcorp
Classification: Pathogenic for Spastic paraplegia. Last evaluated: 2023-06-11. Review status: criteria provided, single submitter. Criteria: Invitae Variant Classification Sherloc (09022015). Collection method: clinical testing. Allele origin: germline.
Comment: For these reasons, this variant has been classified as Pathogenic. This variant has not been reported in the literature in individuals affected with SACS-related conditions. This variant is not present in population databases (gnomAD no frequency). This sequence change creates a premature translational stop signal (p.Val541Serfs*9) in the SACS gene. It is expected to result in an absent or disrupted protein product. Loss-of-function variants in SACS are known to be pathogenic (PMID: 18465152, 20876471).

Literature cited by the submitters: PubMed 18465152; PubMed 20876471.

NM_014363.6(SACS):c.1620del (p.Val541fs)

Gene: SACS (sacsin molecular chaperone; minus strand). Cytogenetic location: 13q12.12.
Variant type: Deletion.
Coding change: c.1620del on transcript NM_014363.6 (MANE Select); coding-DNA position 1620, one base deleted (A; older notation c.1620delA).
Protein change: p.Val541fs; shifts the reading frame from valine 541.
Molecular consequence: frameshift variant.
Genome position (GRCh38, 1-based): chr13:23,354,992, T deleted on the plus strand (A on the coding strand, the reverse complement: SACS is on the minus strand); the first of 3 consecutive T bases (chr13:23,354,992-23,354,994); deleting any one gives the same sequence. VCF-style (leftmost placement, unchanged base first): chr13-23354991-CT-C. GRCh37 (hg19) VCF-style: chr13-23929130-CT-C.
Other names: c.1179del, p.Val394fs (NM_001278055.2); short protein forms V541fs, V394fs.
Identifiers: ClinVar variation 2712427 (VCV002712427.3), dbSNP rs2542394791, ClinGen allele CA2697551677.